The following is an entry in ClinVar:

NM_032242.4(PLXNA1):c.1111G>C (p.Glu371Gln)

Gene: PLXNA1 (plexin A1; plus strand). Cytogenetic location: 3q21.3.
Variant type: single nucleotide variant.
Coding change: c.1111G>C on transcript NM_032242.4 (MANE Select); coding-DNA position 1111, G replaced by C.
Protein change: p.Glu371Gln; replaces glutamic acid 371 with glutamine.
Molecular consequence: missense variant.
Genome position (GRCh38, 1-based): chr3:126,989,704, G>C. VCF-style: chr3-126989704-G-C. GRCh37 (hg19) VCF-style: chr3-126708547-G-C.
Other names: short protein forms E371Q.
Identifiers: ClinVar variation 5001005 (VCV005001005.1).

ClinVar aggregate classification (germline): Uncertain significance (1 of 4 stars; one submission).

Conditions:
PLXNA1-related disorder. Also called: PLXNA1-related condition.

gnomAD v4.1: 2 of 1,613,106 alleles (0.00012%); highest among the groups gnomAD compares: Non-Finnish European, 0.00017%; no homozygotes.

Submission:

PreventionGenetics, part of Exact Sciences
Classification: Uncertain significance for PLXNA1-related condition. Last evaluated: 2024-10-11. Review status: criteria provided, single submitter. Criteria: ACMG Guidelines, 2015. Collection method: clinical testing. Allele origin: germline.
Comment: The PLXNA1 c.1111G>C variant is predicted to result in the amino acid substitution p.Glu371Gln. To our knowledge, this variant has not been reported in the literature or in a large population database (gnomAD), indicating this variant is rare. At this time, the clinical significance of this variant is uncertain due to the absence of conclusive functional and genetic evidence.